The following is an entry in ClinVar:

NM_001848.3(COL6A1):c.50_51del (p.Thr17fs)

Gene: COL6A1 (collagen type VI alpha 1 chain; plus strand). Cytogenetic location: 21q22.3.
Variant type: Deletion.
Coding change: c.50_51del on transcript NM_001848.3 (MANE Select); coding-DNA positions 50 to 51, 2 bases deleted (CA; older notation c.50_51delCA).
Protein change: p.Thr17fs; shifts the reading frame from threonine 17.
Molecular consequence: frameshift variant.
Genome position (GRCh38, 1-based): chr21:45,981,900-45,981,901, CA deleted; deleting any 2 consecutive bases within chr21:45,981,899-45,981,901 gives the same sequence; the c. name uses the placement nearest the transcript's 3' end. VCF-style (leftmost placement, unchanged base first): chr21-45981898-GAC-G. GRCh37 (hg19) VCF-style: chr21-47401812-GAC-G.
Other names: short protein forms T17fs.
Identifiers: ClinVar variation 1457047 (VCV001457047.4), dbSNP rs747419878, ClinGen allele CA10069428.

ClinVar aggregate classification (germline): Pathogenic (1 of 4 stars; one submission).

Conditions:
Bethlem myopathy 1A. Also called: MYOPATHY, BENIGN CONGENITAL, WITH CONTRACTURES; Bethlem Muscular Dystrophy; Bethlem myopathy 1. Identifiers: Orphanet 610, MedGen CN029274, MONDO:0024530, OMIM 158810.

Submission:

Labcorp Genetics (formerly Invitae), Labcorp
Classification: Pathogenic for Bethlem myopathy 1A. Last evaluated: 2023-08-17. Review status: criteria provided, single submitter. Criteria: Invitae Variant Classification Sherloc (09022015). Collection method: clinical testing. Allele origin: germline.
Comment: This sequence change creates a premature translational stop signal (p.Thr17Serfs*5) in the COL6A1 gene. It is expected to result in an absent or disrupted protein product. Loss-of-function variants in COL6A1 are known to be pathogenic (PMID: 19884007, 20976770). This variant is present in population databases (rs747419878, gnomAD 0.006%). This variant has not been reported in the literature in individuals affected with COL6A1-related conditions. ClinVar contains an entry for this variant (Variation ID: 1457047). For these reasons, this variant has been classified as Pathogenic.

Literature cited by the submitters: PubMed 19884007; PubMed 20976770.